The following is an entry in ClinVar:

NM_000179.3(MSH6):c.2226C>T (p.Asn742=)

Gene: MSH6 (mutS homolog 6; plus strand). Cytogenetic location: 2p16.3.
Variant type: single nucleotide variant.
Coding change: c.2226C>T on transcript NM_000179.3 (MANE Select); coding-DNA position 2226, C replaced by T.
Protein change: p.Asn742=; no amino-acid change (asparagine 742 retained).
Molecular consequence: synonymous variant.
Genome position (GRCh38, 1-based): chr2:47,800,209, C>T. VCF-style: chr2-47800209-C-T. GRCh37 (hg19) VCF-style: chr2-48027348-C-T.
Other names: c.1836C>T, p.Asn612= (NM_001281492.2); c.1320C>T, p.Asn440= (NM_001281493.2, NM_001281494.2).
Identifiers: ClinVar variation 385600 (VCV000385600.17), dbSNP rs587781739, ClinGen allele CA16604589.
Genomic context (GRCh38, chr2:47,800,209, plus strand): 5'-TGGTGCTATCTTCACCAAAGCCTATCAACGAATGGTGCTAGATGCAGTGACATTAAACAA[C>T]TTGGAGATTTTTCTGAATGGAACAAATGGTTCTACTGAAGGAACCCTACTAGAGAGGGTT-3'
Protein context (NP_000170.1, residues 732-752): RMVLDAVTLN[Asn742=]LEIFLNGTNG

ClinVar aggregate classification (germline): Benign/Likely benign. Review status: criteria provided, multiple submitters, no conflicts (2 of 4 stars). 5 submissions from 5 submitters: Benign (1); Likely benign (4). Last evaluated 2024-12-30.

Conditions:
Hereditary cancer-predisposing syndrome. Also called: Hereditary Cancer Syndrome; Hereditary neoplastic syndrome; Neoplastic Syndromes, Hereditary; Tumor predisposition. Identifiers: Orphanet 140162, MedGen C0027672, MeSH D009386, MONDO:0015356.
Lynch syndrome 5 (LYNCH5). Also called: Hereditary non-polyposis colorectal cancer, type 5; Colorectal cancer, hereditary nonpolyposis, type 5. Identifiers: Orphanet 144, MedGen C1833477, MONDO:0013710, OMIM 614350. Disease mechanism: loss of function.
Hereditary nonpolyposis colorectal neoplasms. Identifiers: MedGen C0009405, MeSH D003123.

Allele frequency attached by ClinVar (database versions not stated): TOPMed below 0.00001; gnomAD 0.00001.
gnomAD v4.1: 3 of 1,614,052 alleles (0.00019%); highest among the groups gnomAD compares: Non-Finnish European, 0.00025%; no homozygotes.

Submissions (5):

Myriad Genetics, Inc.
Classification: Benign for Lynch syndrome 5. Last evaluated: 2024-12-30. Review status: criteria provided, single submitter. Criteria: Myriad Autosomal Dominant, Autosomal Recessive and X-Linked Classification Criteria (2023). Collection method: clinical testing. Allele origin: unknown.
Comment: This variant is considered benign. This variant is a silent/synonymous amino acid change and it is not expected to impact splicing.

Labcorp Genetics (formerly Invitae), Labcorp
Classification: Likely benign for Hereditary nonpolyposis colorectal neoplasms. Last evaluated: 2024-09-17. Review status: criteria provided, single submitter. Criteria: Invitae Variant Classification Sherloc (09022015). Collection method: clinical testing. Allele origin: germline.

Color Diagnostics, LLC DBA Color Health
Classification: Likely benign for Hereditary cancer-predisposing syndrome. Last evaluated: 2019-12-09. Review status: criteria provided, single submitter. Criteria: ACMG Guidelines, 2015. Collection method: clinical testing. Allele origin: germline.

Ambry Genetics
Classification: Likely benign for Hereditary cancer-predisposing syndrome. Last evaluated: 2017-06-27. Review status: criteria provided, single submitter. Criteria: Ambry Variant Classification Scheme 2023. Collection method: clinical testing. Allele origin: germline.

GeneDx
Classification: Likely benign. Last evaluated: 2016-04-15. Review status: criteria provided, single submitter. Criteria: GeneDx Variant Classification (06012015). Collection method: clinical testing. Allele origin: germline. Affected: yes.
Comment: This variant is considered likely benign or benign based on one or more of the following criteria: it is a conservative change, it occurs at a poorly conserved position in the protein, it is predicted to be benign by multiple in silico algorithms, and/or has population frequency not consistent with disease.